The following is an entry in ClinVar:

ClinVar aggregate classification (germline): Likely benign (1 of 4 stars; one submission).

Submission:

CeGaT Center for Human Genetics Tuebingen
Classification: Likely benign. Last evaluated: 2023-06-01. Review status: criteria provided, single submitter. Criteria: CeGaT Center For Human Genetics Tuebingen Variant Classification Criteria Version 2. Collection method: clinical testing. Allele origin: germline. Affected: yes. Observed: 1 variant allele.
Comment: MAPK8IP3: PM2:Supporting, BP4, BP7

NM_001318852.2(MAPK8IP3):c.3528G>T (p.Val1176=)

Gene: MAPK8IP3 (mitogen-activated protein kinase 8 interacting protein 3; plus strand). Cytogenetic location: 16p13.3.
Variant type: single nucleotide variant.
Coding change: c.3528G>T on transcript NM_001318852.2 (MANE Select); coding-DNA position 3528, G replaced by T.
Protein change: p.Val1176=; no amino-acid change (valine 1176 retained).
Molecular consequence: synonymous variant.
Genome position (GRCh38, 1-based): chr16:1,768,073, G>T. VCF-style: chr16-1768073-G-T. GRCh37 (hg19) VCF-style: chr16-1818074-G-T.
Other names: c.3507G>T, p.Val1169= (NM_001040439.2); c.3525G>T, p.Val1175= (NM_015133.5, NM_033392.3).
Identifiers: ClinVar variation 2645937 (VCV002645937.24), dbSNP rs1156896258, ClinGen allele CA493033577.